The following is an entry in ClinVar:

NM_000384.3(APOB):c.7501A>T (p.Ser2501Cys)

Gene: APOB (apolipoprotein B; minus strand). Cytogenetic location: 2p24.1.
Variant type: single nucleotide variant.
Coding change: c.7501A>T on transcript NM_000384.3 (MANE Select); coding-DNA position 7501, A replaced by T.
Protein change: p.Ser2501Cys; replaces serine 2501 with cysteine.
Molecular consequence: missense variant.
Genome position (GRCh38, 1-based): chr2:21,009,367, T>A on the plus strand (A>T on the coding strand, the complement: APOB is on the minus strand). VCF-style: chr2-21009367-T-A. GRCh37 (hg19) VCF-style: chr2-21232239-T-A.
Other names: short protein forms S2501C.
Identifiers: ClinVar variation 1759221 (VCV001759221.5), dbSNP rs548649083, ClinGen allele CA43502520.

ClinVar aggregate classification (germline): Uncertain significance. Review status: criteria provided, multiple submitters, no conflicts (2 of 4 stars). 3 submissions from 3 submitters: Uncertain significance (3). Last evaluated 2025-08-05.

Conditions:
Familial hypobetalipoproteinemia 1. Also called: APOB-Related Familial Hypobetalipoproteinemia; Hypobetalipoproteinemia, normotriglyceridemic; Acanthocytosis with hypobetalipoproteinemia. Identifiers: MedGen C4551990, MONDO:0014252, OMIM 615558.
Hypercholesterolemia, autosomal dominant, type B (FHCL2). Also called: Hyperlipoproteinemia Type IIb; Familial hypercholesterolemia 2; Familial Hypercholesterolemia Type B; APOLIPOPROTEIN B-100, FAMILIAL DEFECTIVE; APOLIPOPROTEIN B-100, FAMILIAL LIGAND-DEFECTIVE; HYPERCHOLESTEROLEMIA, FAMILIAL, DUE TO LIGAND-DEFECTIVE APOLIPOPROTEIN B. Identifiers: MedGen C1704417, MONDO:0007751, OMIM 144010.
Cardiovascular phenotype. Identifiers: MedGen CN230736.

Allele frequency attached by ClinVar (database versions not stated): gnomAD exomes below 0.00001.
gnomAD v4.1: 5 of 1,614,114 alleles (0.00031%); highest among the groups gnomAD compares: African/African-American, 0.0027%; no homozygotes.

Submissions (3):

GeneDx
Classification: Uncertain significance. Last evaluated: 2025-08-05. Review status: criteria provided, single submitter. Criteria: GeneDx Variant Classification Process June 2021. Collection method: clinical testing. Allele origin: germline. Affected: yes.
Comment: Not observed at significant frequency in large population cohorts (gnomAD); In silico analysis supports that this missense variant has a deleterious effect on protein structure/function; Has not been previously published as pathogenic or benign to our knowledge

Labcorp Genetics (formerly Invitae), Labcorp
Classification: Uncertain significance for Familial hypobetalipoproteinemia 1; Hypercholesterolemia, autosomal dominant, type B. Last evaluated: 2023-12-04. Review status: criteria provided, single submitter. Criteria: Invitae Variant Classification Sherloc (09022015). Collection method: clinical testing. Allele origin: germline.
Comment: This sequence change replaces serine, which is neutral and polar, with cysteine, which is neutral and slightly polar, at codon 2501 of the APOB protein (p.Ser2501Cys). This variant is not present in population databases (gnomAD no frequency). This variant has not been reported in the literature in individuals affected with APOB-related conditions. ClinVar contains an entry for this variant (Variation ID: 1759221). Advanced modeling of protein sequence and biophysical properties (such as structural, functional, and spatial information, amino acid conservation, physicochemical variation, residue mobility, and thermodynamic stability) performed at Invitae indicates that this missense variant is not expected to disrupt APOB protein function with a negative predictive value of 95%. In summary, the available evidence is currently insufficient to determine the role of this variant in disease. Therefore, it has been classified as a Variant of Uncertain Significance.

Ambry Genetics
Classification: Uncertain significance for Cardiovascular phenotype. Last evaluated: 2021-12-24. Review status: criteria provided, single submitter. Criteria: Ambry Variant Classification Scheme 2023. Collection method: clinical testing. Allele origin: germline.
Comment: The p.S2501C variant (also known as c.7501A>T), located in coding exon 26 of the APOB gene, results from an A to T substitution at nucleotide position 7501. The serine at codon 2501 is replaced by cysteine, an amino acid with dissimilar properties. This amino acid position is conserved. In addition, this alteration is predicted to be tolerated by in silico analysis. Since supporting evidence is limited at this time, the clinical significance of this alteration remains unclear.